The following continues an entry in ClinVar:

NM_206933.4(USH2A):c.10342G>A (p.Glu3448Lys)

Gene: USH2A. ClinVar aggregate classification (germline): Pathogenic/Likely pathogenic. Pathogenic (13); Likely pathogenic (7).

Submissions 11 to 22 of 22:

Women's Health and Genetics/Laboratory Corporation of America, LabCorp
Classification: Pathogenic for Usher syndrome. Last evaluated: 2021-12-03. Review status: criteria provided, single submitter. Criteria: LabCorp Variant Classification Summary - May 2015. Collection method: clinical testing. Allele origin: germline.
Comment: Variant summary: USH2A c.10342G>A (p.Glu3448Lys) results in a conservative amino acid change located in the Fibronectin type III domain (IPR003961) of the encoded protein sequence. Three of five in-silico tools predict a benign effect of the variant on protein function. The variant allele was found at a frequency of 3.6e-05 in 251302 control chromosomes (gnomAD). c.10342G>A has been reported in the literature in multiple compound heterozygous and homozygous individuals affected with Retinitis Pigmentosa and Usher Syndrome (example: McGee_2011, Eisenberger_2013, Iglesias_2014, Maranhao_2014, Comander_2017, Jones_2017, Gao_2021). These data indicate that the variant is very likely to be associated with disease. To our knowledge, no experimental evidence demonstrating an impact on protein function has been reported. Eleven ClinVar submitters have assessed the variant since 2014: seven have classified it as likely pathogenic and four as pathogenic. Based on the evidence outlined above, the variant was classified as pathogenic.

Institute of Medical Genetics and Applied Genomics, University Hospital Tübingen
Classification: Pathogenic. Last evaluated: 2021-09-15. Review status: criteria provided, single submitter. Criteria: ACMG Guidelines, 2015. Collection method: clinical testing. Allele origin: germline. Inheritance: Autosomal recessive inheritance. Affected: yes.

Genetics and Molecular Pathology, SA Pathology
Classification: Likely pathogenic for Retinitis pigmentosa 39. Last evaluated: 2021-04-21. Review status: criteria provided, single submitter. Criteria: ACMG Guidelines, 2015. Collection method: clinical testing. Allele origin: germline. Affected: yes.

Ocular Genomics Institute, Massachusetts Eye and Ear
Classification: Likely pathogenic for Retinitis pigmentosa 39. Last evaluated: 2021-04-08. Review status: criteria provided, single submitter. Criteria: ACMG Guidelines, 2015. Collection method: research. Allele origin: germline. Affected: yes.
Comment: Through a review of available evidence we were able to apply the following criteria: PS1, PM2, PP3. Based on this evidence we have classified this variant as Likely Pathogenic.

CeGaT Center for Human Genetics Tuebingen
Classification: Likely pathogenic. Last evaluated: 2019-05-01. Review status: criteria provided, single submitter. Criteria: CeGaT Center For Human Genetics Tuebingen Variant Classification Criteria Version 2. Collection method: clinical testing. Allele origin: germline. Affected: yes. Observed: 2 variant alleles.

Centre for Genomic Medicine, Manchester, Central Manchester University Hospitals
Classification: Pathogenic for Usher syndrome type 2A. Last evaluated: 2019-02-01. Review status: criteria provided, single submitter. Criteria: ACMG Guidelines, 2015. Collection method: clinical testing. Allele origin: germline. Affected: yes. Observed: 1 variant allele, 1 compound heterozygote.

Eurofins Ntd Llc (ga)
Classification: Likely pathogenic. Last evaluated: 2016-04-04. Review status: criteria provided, single submitter. Criteria: EGL Classification Definitions 2015. Collection method: clinical testing. Allele origin: germline. Observed: 1 variant allele, 1 heterozygote.

Institute of Human Genetics, Univ. Regensburg, Univ. Regensburg
Classification: Likely pathogenic for Retinal dystrophy. Last evaluated: 2016-01-01. Review status: criteria provided, single submitter. Criteria: ACMG Guidelines, 2015. Collection method: clinical testing. Allele origin: germline. Affected: yes.

Baylor Genetics
Classification: Pathogenic for Usher syndrome type 2A. Review status: criteria provided, single submitter. Criteria: ACMG Guidelines, 2015. Collection method: clinical testing. Allele origin: unknown.

Juno Genomics, Hangzhou Juno Genomics, Inc
Classification: Pathogenic for Usher syndrome type 2A; Retinitis pigmentosa 39. Review status: criteria provided, single submitter. Criteria: ACMG Guidelines, 2015. Collection method: clinical testing. Allele origin: germline.
Comment: Absent from controls (or at extremely low frequency if recessive) in Genome Aggregation Database.;Multiple lines of computational evidence suggest no impact on gene or gene product.;For recessive disorders, detected in trans with a pathogenic variant.;Patient's phenotype or family history is highly specific for a disease with a single genetic etiology.;Co-segregation with disease in multiple affected family members.

Counsyl
Classification: Likely pathogenic for Usher syndrome type 2A; Retinitis pigmentosa 39. Last evaluated: 2018-04-17. Review status: no assertion criteria provided. Collection method: clinical testing. Allele origin: unknown. Not counted in ClinVar's aggregate classification.

NIHR Bioresource Rare Diseases, University of Cambridge
Classification: Likely pathogenic for Retinitis pigmentosa. Last evaluated: 2015-01-01. Review status: no assertion criteria provided. Collection method: research. Allele origin: unknown. Affected: yes. Observed: 2 variant alleles. Not counted in ClinVar's aggregate classification.

Literature cited by the submitters: PubMed 36003347 (cited by Natera, Inc. and Victorian Clinical Genetics Services, Murdoch Childrens Research Institute); PubMed 32176120 (cited by 3 submitters); PubMed 32188678 (cited by 3 submitters); PubMed 28981474 (cited by 6 submitters); PubMed 28761320 (cited by 6 submitters); PubMed 26667666 (cited by 6 submitters); PubMed 24265693 (cited by 9 submitters); PubMed 36672815 (cited by 3billion and Institute of Human Genetics, Univ. Regensburg, Univ. Regensburg); PubMed 28041643 (cited by Victorian Clinical Genetics Services, Murdoch Childrens Research Institute and NIHR Bioresource Rare Diseases, University of Cambridge); PubMed 20301515 (cited by Victorian Clinical Genetics Services, Murdoch Childrens Research Institute); PubMed 36011334 (cited by Victorian Clinical Genetics Services, Murdoch Childrens Research Institute and Institute of Human Genetics, Univ. Regensburg, Univ. Regensburg); PubMed 26633545 (cited by Baylor Genetics); PubMed 20507924 (cited by 4 submitters); PubMed 24901346 (cited by 4 submitters); PubMed 24603341 (cited by 5 submitters); PubMed 25412400 (cited by Eurofins Ntd Llc (ga) and Counsyl); PubMed 31964843 (cited by Institute of Human Genetics, Univ. Regensburg, Univ. Regensburg); PubMed 31429209 (cited by Institute of Human Genetics, Univ. Regensburg, Univ. Regensburg); PubMed 32037395 (cited by Institute of Human Genetics, Univ. Regensburg, Univ. Regensburg); PubMed 32675063 (cited by Institute of Human Genetics, Univ. Regensburg, Univ. Regensburg); PubMed 35266249 (cited by Institute of Human Genetics, Univ. Regensburg, Univ. Regensburg); PubMed 36819107 (cited by Institute of Human Genetics, Univ. Regensburg, Univ. Regensburg).